The following is an entry in ClinVar:

ClinVar aggregate classification (germline): Likely pathogenic (1 of 4 stars; one submission).

Conditions:
Autosomal recessive limb-girdle muscular dystrophy type 2J (LGMDR10). Also called: Limb-girdle muscular dystrophy, type 2J; MUSCULAR DYSTROPHY, LIMB-GIRDLE, AUTOSOMAL RECESSIVE 10. Identifiers: Orphanet 140922, MedGen C1837342, MONDO:0012127, OMIM 608807.
Dilated cardiomyopathy 1G (CMD1G). Identifiers: Orphanet 154, MedGen C1858763, MONDO:0011400, OMIM 604145.

Submission:

Labcorp Genetics (formerly Invitae), Labcorp
Classification: Likely pathogenic for Dilated cardiomyopathy 1G; Autosomal recessive limb-girdle muscular dystrophy type 2J. Last evaluated: 2025-10-27. Review status: criteria provided, single submitter. Criteria: Invitae Variant Classification Sherloc (09022015). Collection method: clinical testing. Allele origin: germline.
Comment: This sequence change creates a premature translational stop signal (p.Lys4685*) in the TTN gene. While this is not anticipated to result in nonsense mediated decay, it is expected to create a truncated TTN protein. This variant is not present in population databases (gnomAD no frequency). This variant has not been reported in the literature in individuals affected with TTN-related conditions. This variant is located in the I band of TTN (PMID: 25589632). Truncating variants in this region have been reported in individuals affected with autosomal recessive centronuclear myopathy (PMID: 23975875, internal data). Truncating variants in this region have also been identified in individuals affected with autosomal dominant dilated cardiomyopathy and/or cardio-related conditions (PMID: 27869827, 32964742, internal data). In summary, the currently available evidence indicates that the variant is pathogenic, but additional data are needed to prove that conclusively. Therefore, this variant has been classified as Likely Pathogenic.

Literature cited by the submitters: PubMed 25589632; PubMed 23975875; PubMed 27869827; PubMed 32964742.

NM_001267550.2(TTN):c.14053A>T (p.Lys4685Ter)

Gene: TTN (titin; minus strand). Cytogenetic location: 2q31.2.
Variant type: single nucleotide variant.
Coding change: c.14053A>T on transcript NM_001267550.2 (MANE Select); coding-DNA position 14053, A replaced by T.
Protein change: p.Lys4685Ter; replaces lysine 4685 with a stop codon.
Molecular consequence: nonsense. On other transcripts: intron variant (1).
Genome position (GRCh38, 1-based): chr2:178,739,180, T>A on the plus strand (A>T on the coding strand, the complement: TTN is on the minus strand). VCF-style: chr2-178739180-T-A. GRCh37 (hg19) VCF-style: chr2-179603907-T-A.
Other names: c.13102A>T, p.Lys4368Ter (NM_001256850.1); c.12964A>T, p.Lys4322Ter (NM_003319.4); c.13339A>T, p.Lys4447Ter (NM_133432.3); c.13540A>T, p.Lys4514Ter (NM_133437.4); c.10361-820A>T (NM_133378.4); short protein forms K4368*, K4514*, K4322*, K4447*, K4685*.
Identifiers: ClinVar variation 4786541 (VCV004786541.1).